The following is an entry in ClinVar:

NM_001042492.3(NF1):c.5330T>A (p.Val1777Asp)

Gene: NF1 (neurofibromin 1; plus strand). Cytogenetic location: 17q11.2.
Variant type: single nucleotide variant.
Coding change: c.5330T>A on transcript NM_001042492.3 (MANE Select); coding-DNA position 5330, T replaced by A.
Protein change: p.Val1777Asp; replaces valine 1777 with aspartic acid.
Molecular consequence: missense variant.
Genome position (GRCh38, 1-based): chr17:31,327,560, T>A. VCF-style: chr17-31327560-T-A. GRCh37 (hg19) VCF-style: chr17-29654578-T-A.
Other names: c.5267T>A, p.Val1756Asp (NM_000267.4); short protein forms V1756D, V1777D.
Identifiers: ClinVar variation 3404739 (VCV003404739.1).

ClinVar aggregate classification (germline): Uncertain significance (1 of 4 stars; one submission).

Conditions:
Hereditary cancer-predisposing syndrome. Also called: Hereditary Cancer Syndrome; Tumor predisposition; Hereditary neoplastic syndrome; Neoplastic Syndromes, Hereditary. Identifiers: Orphanet 140162, MedGen C0027672, MeSH D009386, MONDO:0015356.
Cardiovascular phenotype. Identifiers: MedGen CN230736.

Submission:

Ambry Genetics
Classification: Uncertain significance for Cardiovascular phenotype; Hereditary cancer-predisposing syndrome. Last evaluated: 2024-09-09. Review status: criteria provided, single submitter. Criteria: Ambry Variant Classification Scheme 2023. Collection method: clinical testing. Allele origin: germline.
Comment: The p.V1756D variant (also known as c.5267T>A), located in coding exon 37 of the NF1 gene, results from a T to A substitution at nucleotide position 5267. The valine at codon 1756 is replaced by aspartic acid, an amino acid with highly dissimilar properties. This amino acid position is conserved. In addition, this alteration is predicted to be deleterious by in silico analysis. Based on the available evidence, the clinical significance of this variant remains unclear.